The following is an entry in ClinVar:

ClinVar aggregate classification (germline): Pathogenic (1 of 4 stars; one submission).

Submission:

Labcorp Genetics (formerly Invitae), Labcorp
Classification: Pathogenic. Last evaluated: 2022-02-06. Review status: criteria provided, single submitter. Criteria: Invitae Variant Classification Sherloc (09022015). Collection method: clinical testing. Allele origin: germline.
Comment: For these reasons, this variant has been classified as Pathogenic. This variant disrupts a region of the RUNX2 protein in which other variant(s) (p.Leu199Phe) have been determined to be pathogenic (PMID: 10545612, 23558979; Invitae). This suggests that this is a clinically significant region of the protein, and that variants that disrupt it are likely to be disease-causing. This variant has not been reported in the literature in individuals affected with RUNX2-related conditions. This variant is a gross deletion of the genomic region encompassing exon(s) 5 of the RUNX2 gene. This variant would be expected to be in-frame, preserving the integrity of the reading frame.

Literature cited by the submitters: PubMed 10545612; PubMed 23558979.

NC_000006.11:g.(?_45405664)_(45405808_?)del

Gene: RUNX2 (RUNX family transcription factor 2; plus strand). Cytogenetic location: 6p21.1.
Variant type: Deletion.
Identifiers: ClinVar variation 2423485 (VCV002423485.4).